The following is an entry in ClinVar:

NM_003801.4(GPAA1):c.1656C>G (p.Ser552Arg)

Gene: GPAA1 (glycosylphosphatidylinositol anchor attachment 1; plus strand). Cytogenetic location: 8q24.3.
Variant type: single nucleotide variant.
Coding change: c.1656C>G on transcript NM_003801.4 (MANE Select); coding-DNA position 1656, C replaced by G.
Protein change: p.Ser552Arg; replaces serine 552 with arginine.
Molecular consequence: missense variant.
Genome position (GRCh38, 1-based): chr8:144,085,915, C>G. VCF-style: chr8-144085915-C-G. GRCh37 (hg19) VCF-style: chr8-145140818-C-G.
Other names: short protein forms S552R.
Identifiers: ClinVar variation 1413460 (VCV001413460.5), dbSNP rs782522653, ClinGen allele CA372507827.

ClinVar aggregate classification (germline): Uncertain significance (1 of 4 stars; one submission).

Allele frequency attached by ClinVar (database versions not stated): TOPMed below 0.00001; gnomAD 0.00001.

Submission:

Labcorp Genetics (formerly Invitae), Labcorp
Classification: Uncertain significance. Last evaluated: 2021-08-31. Review status: criteria provided, single submitter. Criteria: Invitae Variant Classification Sherloc (09022015). Collection method: clinical testing. Allele origin: germline.
Comment: This sequence change replaces serine with arginine at codon 552 of the GPAA1 protein (p.Ser552Arg). The serine residue is moderately conserved and there is a moderate physicochemical difference between serine and arginine. This variant is not present in population databases (ExAC no frequency). This variant has not been reported in the literature in individuals affected with GPAA1-related conditions. Algorithms developed to predict the effect of missense changes on protein structure and function are either unavailable or do not agree on the potential impact of this missense change (SIFT: "Deleterious"; PolyPhen-2: "Possibly Damaging"; Align-GVGD: "Class C0"). In summary, the available evidence is currently insufficient to determine the role of this variant in disease. Therefore, it has been classified as a Variant of Uncertain Significance.